The following is an entry in ClinVar:

NM_000282.4(PCCA):c.460A>G (p.Arg154Gly)

Gene: PCCA (propionyl-CoA carboxylase subunit alpha; plus strand). Cytogenetic location: 13q32.3.
Variant type: single nucleotide variant.
Coding change: c.460A>G on transcript NM_000282.4 (MANE Select); coding-DNA position 460, A replaced by G.
Protein change: p.Arg154Gly; replaces arginine 154 with glycine.
Molecular consequence: missense variant. On other transcripts: 5 prime UTR variant (3), non-coding transcript variant (5).
Genome position (GRCh38, 1-based): chr13:100,157,332, A>G. VCF-style: chr13-100157332-A-G. GRCh37 (hg19) VCF-style: chr13-100809586-A-G.
Other names: c.382A>G, p.Arg128Gly (NM_001127692.3, NM_001352607.2, NM_001352608.2); c.460A>G, p.Arg154Gly (NM_001178004.2, NM_001352605.2, NM_001352606.2 and 1 more transcripts); c.-407A>G (NM_001352610.2, NM_001352611.2, NM_001352612.2); short protein forms R128G, R154G.
Identifiers: ClinVar variation 2418810 (VCV002418810.6), dbSNP rs1165819542, ClinGen allele CA388693908.

ClinVar aggregate classification (germline): Uncertain significance (1 of 4 stars; one submission).

Conditions:
Propionic acidemia (PROP). Also called: GLYCINEMIA, KETOTIC; HYPERGLYCINEMIA WITH KETOACIDOSIS AND LEUKOPENIA; KETOTIC HYPERGLYCINEMIA. Identifiers: Orphanet 35, MedGen C0268579, MONDO:0011628, OMIM 606054, HP:0003571.

Allele frequency attached by ClinVar (database versions not stated): gnomAD 0.00001; TOPMed 0.00001.
gnomAD v4.1: 1 of 1,608,028 alleles (0.000062%); highest among the groups gnomAD compares: Non-Finnish European, 0.000085%; no homozygotes.

Submission:

Labcorp Genetics (formerly Invitae), Labcorp
Classification: Uncertain significance for Propionic acidemia. Last evaluated: 2022-07-11. Review status: criteria provided, single submitter. Criteria: Invitae Variant Classification Sherloc (09022015). Collection method: clinical testing. Allele origin: germline.
Comment: In summary, the available evidence is currently insufficient to determine the role of this variant in disease. Therefore, it has been classified as a Variant of Uncertain Significance. Advanced modeling of protein sequence and biophysical properties (such as structural, functional, and spatial information, amino acid conservation, physicochemical variation, residue mobility, and thermodynamic stability) performed at Invitae indicates that this missense variant is not expected to disrupt PCCA protein function. This variant has not been reported in the literature in individuals affected with PCCA-related conditions. This variant is not present in population databases (gnomAD no frequency). This sequence change replaces arginine, which is basic and polar, with glycine, which is neutral and non-polar, at codon 154 of the PCCA protein (p.Arg154Gly).